The following is an entry in ClinVar:

NM_002894.3(RBBP8):c.898A>G (p.Arg300Gly)

Gene: RBBP8 (RB binding protein 8, endonuclease; plus strand). Cytogenetic location: 18q11.2.
Variant type: single nucleotide variant.
Coding change: c.898A>G on transcript NM_002894.3 (MANE Select); coding-DNA position 898, A replaced by G.
Protein change: p.Arg300Gly; replaces arginine 300 with glycine.
Molecular consequence: missense variant.
Genome position (GRCh38, 1-based): chr18:22,991,027, A>G. VCF-style: chr18-22991027-A-G. GRCh37 (hg19) VCF-style: chr18-20570990-A-G.
Other names: c.898A>G, p.Arg300Gly (NM_203291.2, NM_203292.2); short protein forms R300G.
Identifiers: ClinVar variation 3687955 (VCV003687955.2).

ClinVar aggregate classification (germline): Uncertain significance (1 of 4 stars; one submission).

gnomAD v4.1: 21 of 1,612,376 alleles (0.0013%); highest among the groups gnomAD compares: Non-Finnish European, 0.0018%; no homozygotes.

Submission:

Labcorp Genetics (formerly Invitae), Labcorp
Classification: Uncertain significance. Last evaluated: 2024-09-10. Review status: criteria provided, single submitter. Criteria: Invitae Variant Classification Sherloc (09022015). Collection method: clinical testing. Allele origin: germline.
Comment: This sequence change replaces arginine, which is basic and polar, with glycine, which is neutral and non-polar, at codon 300 of the RBBP8 protein (p.Arg300Gly). This variant is present in population databases (rs745910519, gnomAD 0.002%). This variant has not been reported in the literature in individuals affected with RBBP8-related conditions. Invitae Evidence Modeling of protein sequence and biophysical properties (such as structural, functional, and spatial information, amino acid conservation, physicochemical variation, residue mobility, and thermodynamic stability) indicates that this missense variant is not expected to disrupt RBBP8 protein function with a negative predictive value of 80%. In summary, the available evidence is currently insufficient to determine the role of this variant in disease. Therefore, it has been classified as a Variant of Uncertain Significance.